The following is an entry in ClinVar:

NM_001366145.2(TRPM3):c.2577_2579del (p.Glu860del)

Gene: TRPM3 (transient receptor potential cation channel subfamily M member 3; minus strand). Cytogenetic location: 9q21.12.
Variant type: Deletion.
Coding change: c.2577_2579del on transcript NM_001366145.2 (MANE Select); coding-DNA positions 2577 to 2579, 3 bases deleted (GGA; older notation c.2577_2579delGGA).
Protein change: p.Glu860del; deletes glutamic acid 860.
Molecular consequence: inframe deletion.
Genome position (GRCh38, 1-based): chr9:70,610,697-70,610,699, TCC deleted on the plus strand (GGA on the coding strand, the reverse complement: TRPM3 is on the minus strand); deleting any 3 consecutive bases within chr9:70,610,697-70,610,701 gives the same sequence; the c. name uses the placement nearest the transcript's 3' end. VCF-style (leftmost placement, unchanged base first): chr9-70610696-TTCC-T. GRCh37 (hg19) VCF-style: chr9-73225612-TTCC-T.
Other names: c.2541_2543del, p.Glu848del (NM_001007471.4, NM_001366151.2); c.2547_2549del, p.Glu850del (NM_001366141.2, NM_001366143.2, NM_001366149.2); c.2583_2585del, p.Glu862del (NM_001366142.2); c.2577_2579del, p.Glu860del (NM_001366146.2); c.2652_2654del, p.Glu885del (NM_001366147.2, NM_001366152.2); c.2622_2624del, p.Glu875del (NM_001366148.2); c.2511_2513del, p.Glu838del (NM_001366150.2); c.2118_2120del, p.Glu707del (NM_001366154.2, NM_024971.7); and 5 more; short protein forms E697del, E850del, E695del, E860del, E685del, E707del, E720del, E848del.
Identifiers: ClinVar variation 4991023 (VCV004991023.1).

ClinVar aggregate classification (germline): Uncertain significance (1 of 4 stars; one submission).

Conditions:
TRPM3-related disorder. Also called: TRPM3-related condition.

Submission:

PreventionGenetics, part of Exact Sciences
Classification: Uncertain significance for TRPM3-related condition. Last evaluated: 2025-11-11. Review status: criteria provided, single submitter. Criteria: ACMG Guidelines, 2015. Collection method: clinical testing. Allele origin: germline.
Comment: The TRPM3 c.2652_2654delGGA variant is predicted to result in an in-frame deletion (p.Glu885del). To our knowledge, this variant has not been reported in the literature or in a large population database (gnomAD), indicating this variant is rare. At this time, the clinical significance of this variant is uncertain due to the absence of conclusive functional and genetic evidence.